The following is an entry in ClinVar:

ClinVar aggregate classification (germline): Uncertain significance (1 of 4 stars; one submission).

Conditions:
Combined immunodeficiency due to ZAP70 deficiency (IMD48). Also called: ZAP70 Deficiency; Immunodeficiency 48. Identifiers: Orphanet 911, MedGen C2931299, MONDO:0010023, OMIM 269840.

Allele frequency attached by ClinVar (database versions not stated): ExAC 0.00006; 1000 Genomes Project 0.00020; gnomAD 0.00005; ESP Exome Variant Server 0.00015; 1000 Genomes Project 30x 0.00016.
gnomAD v4.1: 50 of 1,611,304 alleles (0.0031%); highest among the groups gnomAD compares: African/African-American, 0.013%; no homozygotes.

Submission:

Labcorp Genetics (formerly Invitae), Labcorp
Classification: Uncertain significance for Combined immunodeficiency due to ZAP70 deficiency. Last evaluated: 2022-07-05. Review status: criteria provided, single submitter. Criteria: Invitae Variant Classification Sherloc (09022015). Collection method: clinical testing. Allele origin: germline.
Comment: This sequence change falls in intron 6 of the ZAP70 gene. It does not directly change the encoded amino acid sequence of the ZAP70 protein. This variant is present in population databases (rs373266022, gnomAD 0.02%). This variant has not been reported in the literature in individuals affected with ZAP70-related conditions. ClinVar contains an entry for this variant (Variation ID: 1493336). Algorithms developed to predict the effect of sequence changes on RNA splicing suggest that this variant may create or strengthen a splice site. In summary, the available evidence is currently insufficient to determine the role of this variant in disease. Therefore, it has been classified as a Variant of Uncertain Significance.

NM_001079.4(ZAP70):c.790+15C>T

Gene: ZAP70 (zeta chain of T cell receptor associated protein kinase 70; plus strand). Cytogenetic location: 2q11.2.
Variant type: single nucleotide variant.
Coding change: c.790+15C>T on transcript NM_001079.4 (MANE Select); 15 bases into the intron after coding-DNA position 790, C replaced by T.
Molecular consequence: intron variant.
Genome position (GRCh38, 1-based): chr2:97,733,227, C>T. VCF-style: chr2-97733227-C-T. GRCh37 (hg19) VCF-style: chr2-98349690-C-T.
Other names: c.790+15C>T (NM_001378594.1).
Identifiers: ClinVar variation 1493336 (VCV001493336.3), dbSNP rs373266022, ClinGen allele CA1790213.
Genomic context (GRCh38, chr2:97,733,227, plus strand): 5'-TGCCTGAAGGAGGCCTGCCCCAACAGCAGTGCCAGCAACGCCTCAGGTGACGGCAGCAGG[C>T]GGGCGGGCGGTGGGCGGGGGCGGCAGGAGACCTGGCCCCCAGCCCTCACTGTCCCTTCTG-3'